The following is an entry in ClinVar:

ClinVar aggregate classification (germline): Uncertain significance (1 of 4 stars; one submission).

Submission:

Ambry Genetics
Classification: Uncertain significance. Last evaluated: 2025-10-27. Review status: criteria provided, single submitter. Criteria: Ambry Variant Classification Scheme 2023. Collection method: clinical testing. Allele origin: germline.
Comment: The p.A1310T variant (also known as c.3928G>A), located in coding exon 14 of the CDK12 gene, results from a G to A substitution at nucleotide position 3928. The alanine at codon 1310 is replaced by threonine, an amino acid with similar properties. This amino acid position is conserved. In addition, this alteration is predicted to be tolerated by in silico analysis. Based on the available evidence, the clinical significance of this variant remains unclear.

NM_016507.4(CDK12):c.3928G>A (p.Ala1310Thr)

Gene: CDK12 (cyclin dependent kinase 12; plus strand). Cytogenetic location: 17q12.
Variant type: single nucleotide variant.
Coding change: c.3928G>A on transcript NM_016507.4 (MANE Select); coding-DNA position 3928, G replaced by A.
Protein change: p.Ala1310Thr; replaces alanine 1310 with threonine.
Molecular consequence: missense variant.
Genome position (GRCh38, 1-based): chr17:39,530,771, G>A. VCF-style: chr17-39530771-G-A. GRCh37 (hg19) VCF-style: chr17-37687024-G-A.
Other names: c.3901G>A, p.Ala1301Thr (NM_015083.4); short protein forms A1310T, A1301T.
Identifiers: ClinVar variation 4651411 (VCV004651411.1).